The following is an entry in ClinVar:

ClinVar aggregate classification (germline): Uncertain significance (1 of 4 stars; one submission).

Submission:

GeneDx
Classification: Uncertain significance. Last evaluated: 2024-10-05. Review status: criteria provided, single submitter. Criteria: GeneDx Variant Classification Process June 2021. Collection method: clinical testing. Allele origin: germline. Affected: yes.
Comment: Not observed at significant frequency in large population cohorts (gnomAD); In-frame deletion of 2 amino acid(s) in a non-repeat region; In silico analysis indicates that this variant does not alter protein structure/function; Has not been previously published as pathogenic or benign to our knowledge

NM_002609.4(PDGFRB):c.1744_1749del (p.Val582_Asp583del)

Gene: PDGFRB (platelet derived growth factor receptor beta; minus strand). Cytogenetic location: 5q32.
Variant type: Deletion.
Coding change: c.1744_1749del on transcript NM_002609.4 (MANE Select); coding-DNA positions 1744 to 1749, 6 bases deleted (GTGGAC; older notation c.1744_1749delGTGGAC).
Protein change: p.Val582_Asp583del.
Genome position (GRCh38, 1-based): chr5:150,125,503-150,125,508, GTCCAC deleted on the plus strand (GTGGAC on the coding strand, the reverse complement: PDGFRB is on the minus strand); deleting any 6 consecutive bases within chr5:150,125,503-150,125,510 gives the same sequence; the c. name uses the placement nearest the transcript's 3' end. VCF-style (leftmost placement, unchanged base first): chr5-150125502-GGTCCAC-G. GRCh37 (hg19) VCF-style: chr5-149505065-GGTCCAC-G.
Other names: c.1552_1557del, p.Val518_Asp519del (NM_001355016.2); c.1261_1266del, p.Val421_Asp422del (NM_001355017.2).
Identifiers: ClinVar variation 3777437 (VCV003777437.1).